The following is an entry in ClinVar:

ClinVar aggregate classification (germline): Uncertain significance (0 of 4 stars; one submission).

Conditions:
CREBBP-related disorder. Also called: CREBBP-related condition; CREBBP-related disorders.

Submission:

PreventionGenetics, part of Exact Sciences
Classification: Uncertain significance for CREBBP-related condition. Last evaluated: 2024-06-24. Review status: no assertion criteria provided. Collection method: clinical testing. Allele origin: germline.
Comment: The CREBBP c.1707_1715del9 variant is predicted to result in an in-frame deletion (p.Asn570_Gly572del). To our knowledge, this variant has not been reported in the literature or in a large population database, indicating this variant is rare. At this time, the clinical significance of this variant is uncertain due to the absence of conclusive functional and genetic evidence.

NM_004380.3(CREBBP):c.1707_1715del (p.Asn570_Gly572del)

Genes: CREBBP (CREB binding lysine acetyltransferase; minus strand), LOC130058353 (ATAC-STARR-seq lymphoblastoid active region 10333; plus strand). Cytogenetic location: 16p13.3.
Variant type: Deletion.
Coding change: c.1707_1715del on transcript NM_004380.3 (MANE Select); coding-DNA positions 1707 to 1715, 9 bases deleted (TAACATTGG; older notation c.1707_1715delTAACATTGG).
Protein change: p.Asn570_Gly572del.
Molecular consequence: inframe deletion.
Genome position (GRCh38, 1-based): chr16:3,780,840-3,780,848, CCAATGTTA deleted on the plus strand (TAACATTGG on the coding strand, the reverse complement: CREBBP is on the minus strand); deleting any 9 consecutive bases within chr16:3,780,840-3,780,851 gives the same sequence; the c. name uses the placement nearest the transcript's 3' end. VCF-style (leftmost placement, unchanged base first): chr16-3780839-TCCAATGTTA-T. GRCh37 (hg19) VCF-style: chr16-3830840-TCCAATGTTA-T.
Other names: c.1593_1601del, p.Asn532_Gly534del (NM_001079846.1).
Identifiers: ClinVar variation 3344561 (VCV003344561.1).
Genomic context (GRCh38, chr16:3,780,839, plus strand): 5'-CCAGCCTTTCCTTACACCGGTGCTAGAAGGAGGAGCTGCTGTTGGTATAGTGCTGAGGGT[TCCAATGTTA>T]CCAGAGTTGGAGCCATCGTTCATCAGTGGGCTAAGGAGGAAATAAAGACACTTCATCCAT-3'